The following is an entry in ClinVar:

ClinVar aggregate classification (germline): Uncertain significance. Review status: criteria provided, multiple submitters, no conflicts (2 of 4 stars). 2 submissions from 2 submitters: Uncertain significance (2). Last evaluated 2022-03-15.

Conditions:
Familial Mediterranean fever (FMF). Also called: POLYSEROSITIS, FAMILIAL PAROXYSMAL; POLYSEROSITIS, RECURRENT; Periodic peritonitis; Benign paroxysmal peritonitis. Identifiers: Orphanet 342, MedGen C0031069, MONDO:0018088, OMIM 249100. Disease mechanism: gain of function.

Submissions (2):

Labcorp Genetics (formerly Invitae), Labcorp
Classification: Uncertain significance for Familial Mediterranean fever. Last evaluated: 2022-03-15. Review status: criteria provided, single submitter. Criteria: Invitae Variant Classification Sherloc (09022015). Collection method: clinical testing. Allele origin: germline.
Comment: In summary, the available evidence is currently insufficient to determine the role of this variant in disease. Therefore, it has been classified as a Variant of Uncertain Significance. Algorithms developed to predict the effect of missense changes on protein structure and function are either unavailable or do not agree on the potential impact of this missense change (SIFT: "Deleterious"; PolyPhen-2: "Benign"; Align-GVGD: "Class C0"). ClinVar contains an entry for this variant (Variation ID: 234359). This variant has not been reported in the literature in individuals affected with MEFV-related conditions. This variant is not present in population databases (gnomAD no frequency). This sequence change replaces alanine, which is neutral and non-polar, with threonine, which is neutral and polar, at codon 193 of the MEFV protein (p.Ala193Thr).

GeneDx
Classification: Uncertain significance. Last evaluated: 2013-03-26. Review status: criteria provided, single submitter. Criteria: GeneDx Variant Classification (06012015). Collection method: clinical testing. Allele origin: germline. Affected: yes.
Comment: To our knowledge, neither the A171T nor the A193T missense substitutions in the MEFV gene have been published as mutations, or reported as benign polymorphisms. Both of these substitutions are semi-conservative, as neutral non-polar Alanine residues are replaced with neutral, polar Threonine residues. Neither of these substitutions occur at a position in the MEFV gene that is highly conserved among species. However, these substitutions were not observed in approximately 6,500 individuals of European and African American ancestry in the NHLBI Exome Sequencing Project or among the various ethnic groups studied in the 1000 Genomes Project, indicating they are not common benign variants in these populations. Therefore, based on the currently available information, it is unclear whether the A171T or A193T variants are disease-causing mutations or rare benign variants.

NM_000243.3(MEFV):c.577G>A (p.Ala193Thr)

Gene: MEFV (MEFV innate immunity regulator, pyrin; minus strand). Cytogenetic location: 16p13.3.
Variant type: single nucleotide variant.
Coding change: c.577G>A on transcript NM_000243.3 (MANE Select); coding-DNA position 577, G replaced by A.
Protein change: p.Ala193Thr; replaces alanine 193 with threonine.
Molecular consequence: missense variant. On other transcripts: intron variant (1).
Genome position (GRCh38, 1-based): chr16:3,254,491, C>T on the plus strand (G>A on the coding strand, the complement: MEFV is on the minus strand). VCF-style: chr16-3254491-C-T. GRCh37 (hg19) VCF-style: chr16-3304491-C-T.
Other names: c.277+1820G>A (NM_001198536.2); short protein forms A193T.
Identifiers: ClinVar variation 234359 (VCV000234359.6), dbSNP rs876660994, ClinGen allele CA10577521.
Genomic context (GRCh38, chr16:3,254,491, plus strand): 5'-GCCTCCCCGCGGAGCTGGCGTTTCTGCGCAGCCGGACCTCGGCCTGGCCCCCCTCTAGCG[C>T]CCTGCAGGGGCCGGGGCTTCTCCCGCCCGGCAGGGCCGGGCTCCGGGTCCGAGGCTTGCC-3'
Protein context (NP_000234.1, residues 183-203): PGGRSPGPCR[Ala193Thr]LEGGQAEVRL